The following is an entry in ClinVar:

NM_006904.7(PRKDC):c.3568C>G (p.Leu1190Val)

Gene: PRKDC (protein kinase, DNA-activated, catalytic subunit; minus strand). Cytogenetic location: 8q11.21.
Variant type: single nucleotide variant.
Coding change: c.3568C>G on transcript NM_006904.7 (MANE Select); coding-DNA position 3568, C replaced by G.
Protein change: p.Leu1190Val; replaces leucine 1190 with valine.
Molecular consequence: missense variant.
Genome position (GRCh38, 1-based): chr8:47,897,191, G>C on the plus strand (C>G on the coding strand, the complement: PRKDC is on the minus strand). VCF-style: chr8-47897191-G-C. GRCh37 (hg19) VCF-style: chr8-48809751-G-C.
Other names: c.3568C>G, p.Leu1190Val (NM_001081640.2); short protein forms L1190V.
Identifiers: ClinVar variation 2077994 (VCV002077994.5), dbSNP rs34598508, ClinGen allele CA4741144.
Genomic context (GRCh38, chr8:47,897,191, plus strand): 5'-GTGAAATTAAAGATATACAGATTACCATACCTGGCAATAAAGGAACGAATTTATAAAAGA[G>C]TTCAATGGATTTGTGTCGACATTCTGTCTGGGGCCTCCCACAATGAGCTAAAAGCCACTT-3'
Protein context (NP_008835.5, residues 1180-1200): QTECRHKSIE[Leu1190Val]FYKFVPLLPG

ClinVar aggregate classification (germline): Uncertain significance. Review status: criteria provided, multiple submitters, no conflicts (2 of 4 stars). 2 submissions from 2 submitters: Uncertain significance (2). Last evaluated 2022-11-07.

Conditions:
Severe combined immunodeficiency due to DNA-PKcs deficiency. Also called: IMMUNODEFICIENCY 26 WITH NEUROLOGIC ABNORMALITIES; Immunodeficiency 26 with or without neurologic abnormalities. Identifiers: Orphanet 317425, MedGen C4014833, MONDO:0014423, OMIM 615966.

Allele frequency attached by ClinVar (database versions not stated): ExAC 0.00002; ESP Exome Variant Server 0.00008.
gnomAD v4.1: 39 of 1,604,392 alleles (0.0024%); highest among the groups gnomAD compares: Non-Finnish European, 0.0029%; no homozygotes.

Submissions (2):

Ambry Genetics
Classification: Uncertain significance. Last evaluated: 2022-11-07. Review status: criteria provided, single submitter. Criteria: Ambry Variant Classification Scheme 2023. Collection method: clinical testing. Allele origin: germline.
Comment: The p.L1190V variant (also known as c.3568C>G), located in coding exon 30 of the PRKDC gene, results from a C to G substitution at nucleotide position 3568. The leucine at codon 1190 is replaced by valine, an amino acid with highly similar properties. This amino acid position is conserved. In addition, the in silico prediction for this alteration is inconclusive. Since supporting evidence is limited at this time, the clinical significance of this alteration remains unclear.

Labcorp Genetics (formerly Invitae), Labcorp
Classification: Uncertain significance for Severe combined immunodeficiency due to DNA-PKcs deficiency. Last evaluated: 2022-08-13. Review status: criteria provided, single submitter. Criteria: Invitae Variant Classification Sherloc (09022015). Collection method: clinical testing. Allele origin: germline.
Comment: This sequence change replaces leucine, which is neutral and non-polar, with valine, which is neutral and non-polar, at codon 1190 of the PRKDC protein (p.Leu1190Val). Experimental studies and prediction algorithms are not available or were not evaluated, and the functional significance of this variant is currently unknown. In summary, the available evidence is currently insufficient to determine the role of this variant in disease. Therefore, it has been classified as a Variant of Uncertain Significance. This variant has not been reported in the literature in individuals affected with PRKDC-related conditions. This variant is present in population databases (rs34598508, gnomAD 0.004%).